The following is an entry in ClinVar:

ClinVar aggregate classification (germline): Conflicting classifications of pathogenicity. Review status: criteria provided, conflicting classifications (1 of 4 stars). 4 submissions from 4 submitters: Uncertain significance (2); Likely benign (2). Last evaluated 2026-02-02.

Conditions:
Inborn genetic diseases. Identifiers: MedGen C0950123, MeSH D030342.
Autosomal dominant nocturnal frontal lobe epilepsy 5. Also called: Epilepsy, nocturnal frontal lobe, 5; CILIARY DYSKINESIA, PRIMARY, 28, WITHOUT SITUS INVERSUS; CILIARY DYSKINESIA, PRIMARY, 28, WITH SITUS INVERSUS; KCNT1-Related Epilepsy. Identifiers: Orphanet 98784, MedGen C3554306, MONDO:0014002, OMIM 615005.
Developmental and epileptic encephalopathy, 14 (DEE14). Also called: Early infantile epileptic encephalopathy 14. Identifiers: Orphanet 293181, MedGen C3554195, MONDO:0013989, OMIM 614959.

Allele frequency attached by ClinVar (database versions not stated): gnomAD 0.00005 and 0.00006; gnomAD exomes below 0.00001; TOPMed 0.00014.
gnomAD v4.1: 17 of 1,609,634 alleles (0.0011%); highest among the groups gnomAD compares: Admixed American, 0.02%; no homozygotes.

Submissions (4):

Labcorp Genetics (formerly Invitae), Labcorp
Classification: Likely benign for Autosomal dominant nocturnal frontal lobe epilepsy 5; Developmental and epileptic encephalopathy, 14. Last evaluated: 2026-02-02. Review status: criteria provided, single submitter. Criteria: Invitae Variant Classification Sherloc (09022015). Collection method: clinical testing. Allele origin: germline.

Ambry Genetics
Classification: Uncertain significance for Inborn genetic diseases. Last evaluated: 2023-10-28. Review status: criteria provided, single submitter. Criteria: Ambry Variant Classification Scheme 2023. Collection method: clinical testing. Allele origin: germline.

GeneDx
Classification: Likely benign. Last evaluated: 2021-06-01. Review status: criteria provided, single submitter. Criteria: GeneDx Variant Classification Process June 2021. Collection method: clinical testing. Allele origin: germline. Affected: yes.
Comment: Has not been previously published as pathogenic or benign to our knowledge

New York Genome Center
Classification: Uncertain significance for Developmental and epileptic encephalopathy, 14. Last evaluated: 2021-03-26. Review status: criteria provided, single submitter. Criteria: NYGC Assertion Criteria 2020. Collection method: clinical testing. Allele origin: inherited. Observed: 1 heterozygote. Study: CSER-NYCKidSeq.

NM_020822.3(KCNT1):c.32G>A (p.Gly11Glu)

Gene: KCNT1 (potassium sodium-activated channel subfamily T member 1; plus strand). Cytogenetic location: 9q34.3.
Variant type: single nucleotide variant.
Coding change: c.32G>A on transcript NM_020822.3 (MANE Select); coding-DNA position 32, G replaced by A.
Protein change: p.Gly11Glu; replaces glycine 11 with glutamic acid.
Molecular consequence: missense variant.
Genome position (GRCh38, 1-based): chr9:135,702,290, G>A. VCF-style: chr9-135702290-G-A. GRCh37 (hg19) VCF-style: chr9-138594136-G-A.
Other names: c.32G>A, p.Gly11Glu (NM_001272003.2); short protein forms G11E.
Identifiers: ClinVar variation 578357 (VCV000578357.18), dbSNP rs1003586835, ClinGen allele CA201461309.
Genomic context (GRCh38, chr9:135,702,290, plus strand): 5'-CTCGGGTCGGGTCCGAGCTGCCAGGCCGCATGCCACTCCCTGACGGGGCGCGGACCCCGG[G>A]GGGCGTCTGCCGGGAGGCGCGCGGCGGGGGCTACACCAACCGGACCTTCGAGTTTGACGA-3'
Protein context (NP_065873.2, residues 1-21): MPLPDGARTP[Gly11Glu]GVCREARGGG